The following is an entry in ClinVar:

NM_005660.3(SLC35A2):c.35C>G (p.Ala12Gly)

Gene: SLC35A2 (solute carrier family 35 member A2; minus strand). Cytogenetic location: Xp11.23.
Variant type: single nucleotide variant.
Coding change: c.35C>G on transcript NM_005660.3 (MANE Select); coding-DNA position 35, C replaced by G.
Protein change: p.Ala12Gly; replaces alanine 12 with glycine.
Molecular consequence: missense variant. On other transcripts: intron variant (1).
Genome position (GRCh38, 1-based): chrX:48,911,602, G>C on the plus strand (C>G on the coding strand, the complement: SLC35A2 is on the minus strand). VCF-style: chrX-48911602-G-C. GRCh37 (hg19) VCF-style: chrX-48768879-G-C.
Other names: c.35C>G, p.Ala12Gly (NM_001032289.3, NM_001042498.3, NM_001282647.2 and 3 more transcripts); c.19+257C>G (NM_001282648.2); short protein forms A12G.
Identifiers: ClinVar variation 837111 (VCV000837111.4), dbSNP rs1557044100, ClinGen allele CA412898878.

ClinVar aggregate classification (germline): Uncertain significance. Review status: criteria provided, multiple submitters, no conflicts (2 of 4 stars). 2 submissions from 2 submitters: Uncertain significance (2). Last evaluated 2022-10-04.

Conditions:
SLC35A2-congenital disorder of glycosylation. Also called: SLC35A2-CDG; DEVELOPMENTAL AND EPILEPTIC ENCEPHALOPATHY 22; CONGENITAL DISORDER OF GLYCOSYLATION, TYPE IIm; CDG IIm; CONGENITAL DISORDER OF GLYCOSYLATION, TYPE IIm, SOMATIC MOSAIC; EPILEPTIC ENCEPHALOPATHY, EARLY INFANTILE, 22. Identifiers: Orphanet 356961, MedGen C3806688, MONDO:0010478, OMIM 300896.
Inborn genetic diseases. Identifiers: MedGen C0950123, MeSH D030342.

gnomAD v4.1: 14 of 1,164,408 alleles (0.0012%); highest among the groups gnomAD compares: Non-Finnish European, 0.0016%; no homozygotes.

Submissions (2):

Ambry Genetics
Classification: Uncertain significance for Inborn genetic diseases. Last evaluated: 2022-10-04. Review status: criteria provided, single submitter. Criteria: Ambry Variant Classification Scheme 2023. Collection method: clinical testing. Allele origin: germline.

Labcorp Genetics (formerly Invitae), Labcorp
Classification: Uncertain significance for CONGENITAL DISORDER OF GLYCOSYLATION, TYPE IIm. Last evaluated: 2020-01-07. Review status: criteria provided, single submitter. Criteria: Invitae Variant Classification Sherloc (09022015). Collection method: clinical testing. Allele origin: germline.
Comment: This sequence change replaces alanine with glycine at codon 12 of the SLC35A2 protein (p.Ala12Gly). The alanine residue is weakly conserved and there is a small physicochemical difference between alanine and glycine. The frequency data for this variant in the population databases is considered unreliable, as metrics indicate insufficient coverage at this position in the ExAC database. This variant has not been reported in the literature in individuals with SLC35A2-related conditions. In summary, the available evidence is currently insufficient to determine the role of this variant in disease. Therefore, it has been classified as a Variant of Uncertain Significance.